The following is an entry in ClinVar:

NM_000545.8(HNF1A):c.764G>A (p.Gly255Asp)

Gene: HNF1A (HNF1 homeobox A; plus strand). Cytogenetic location: 12q24.31.
Variant type: single nucleotide variant.
Coding change: c.764G>A on transcript NM_000545.8 (MANE Select); coding-DNA position 764, G replaced by A.
Protein change: p.Gly255Asp; replaces glycine 255 with aspartic acid.
Molecular consequence: missense variant.
Genome position (GRCh38, 1-based): chr12:120,994,214, G>A. VCF-style: chr12-120994214-G-A. GRCh37 (hg19) VCF-style: chr12-121432017-G-A.
Other names: c.764G>A, p.Gly255Asp (NM_001306179.2, NM_001406915.1); short protein forms G255D.
Identifiers: ClinVar variation 4740581 (VCV004740581.1).
Genomic context (GRCh38, chr12:120,994,214, plus strand): 5'-ATTTCTGCAGGGCGGAATGCATCCAGAGAGGGGTGTCCCCATCACAGGCACAGGGGCTGG[G>A]CTCCAACCTCGTCACGGAGGTGCGTGTCTACAACTGGTTTGCCAACCGGCGCAAAGAAGA-3'
Protein context (NP_000536.6, residues 245-265): GVSPSQAQGL[Gly255Asp]SNLVTEVRVY

ClinVar aggregate classification (germline): Uncertain significance (1 of 4 stars; one submission).

Submission:

Labcorp Genetics (formerly Invitae), Labcorp
Classification: Uncertain significance. Last evaluated: 2025-09-28. Review status: criteria provided, single submitter. Criteria: Invitae Variant Classification Sherloc (09022015). Collection method: clinical testing. Allele origin: germline.
Comment: This sequence change replaces glycine, which is neutral and non-polar, with aspartic acid, which is acidic and polar, at codon 255 of the HNF1A protein (p.Gly255Asp). This variant is not present in population databases (gnomAD no frequency). This variant has not been reported in the literature in individuals affected with HNF1A-related conditions. Invitae Evidence Modeling of protein sequence and biophysical properties (such as structural, functional, and spatial information, amino acid conservation, physicochemical variation, residue mobility, and thermodynamic stability) has been performed for this missense variant. However, the output from this modeling did not meet the statistical confidence thresholds required to predict the impact of this variant on HNF1A protein function. In summary, the available evidence is currently insufficient to determine the role of this variant in disease. Therefore, it has been classified as a Variant of Uncertain Significance.